The following is an entry in ClinVar:

NM_001098816.3(TENM4):c.2215T>C (p.Cys739Arg)

Gene: TENM4 (teneurin transmembrane protein 4; minus strand). Cytogenetic location: 11q14.1.
Variant type: single nucleotide variant.
Coding change: c.2215T>C on transcript NM_001098816.3 (MANE Select); coding-DNA position 2215, T replaced by C.
Protein change: p.Cys739Arg; replaces cysteine 739 with arginine.
Molecular consequence: missense variant.
Genome position (GRCh38, 1-based): chr11:78,787,048, A>G on the plus strand (T>C on the coding strand, the complement: TENM4 is on the minus strand). VCF-style: chr11-78787048-A-G. GRCh37 (hg19) VCF-style: chr11-78498093-A-G.
Other names: short protein forms C739R.
Identifiers: ClinVar variation 3356797 (VCV003356797.1).
Genomic context (GRCh38, chr11:78,787,048, plus strand): 5'-CCCGCTGGTCGCAGGCTGCCCCCATCCAGCCATCCTCGCAGCGGCAGGTGCCCCCTACGC[A>G]CACGCCATGGCCACCACAGTCGGCAGCACAGATCTCTGTGGGGAGGAGCAGAAGAAGGGA-3'
Protein context (NP_001092286.2, residues 729-749): CAADCGGHGV[Cys739Arg]VGGTCRCEDG

ClinVar aggregate classification (germline): Uncertain significance (0 of 4 stars; one submission).

Conditions:
TENM4-related disorder. Also called: TENM4-related condition.

gnomAD v4.1: 3 of 1,551,802 alleles (0.00019%); highest among the groups gnomAD compares: Admixed American, 0.0039%; no homozygotes.

Submission:

PreventionGenetics, part of Exact Sciences
Classification: Uncertain significance for TENM4-related condition. Last evaluated: 2024-06-26. Review status: no assertion criteria provided. Collection method: clinical testing. Allele origin: germline.
Comment: The TENM4 c.2215T>C variant is predicted to result in the amino acid substitution p.Cys739Arg. To our knowledge, this variant has not been reported in the literature. This variant is reported in 0.0081% of alleles in individuals of Latino descent in gnomAD. At this time, the clinical significance of this variant is uncertain due to the absence of conclusive functional and genetic evidence.